The following is an entry in ClinVar:

ClinVar aggregate classification (germline): Uncertain significance (1 of 4 stars; one submission).

Conditions:
Erythroleukemia, familial, susceptibility to. Also called: DI GUGLIELMO DISEASE, FAMILIAL; Acute erythroleukemia, familial. Identifiers: Orphanet 318, MedGen C5552985, MONDO:0007573, OMIM 133180.
Visceral neuropathy, familial, 1, autosomal recessive (VSCN1). Identifiers: Orphanet 99811, MedGen C1855733, MONDO:8000011, OMIM 243180.
Lethal congenital contracture syndrome 2 (LCCS2). Also called: MULTIPLE CONTRACTURE SYNDROME, ISRAELI BEDOUIN TYPE A; Lethal congenital contractural syndrome 2. Identifiers: Orphanet 137776, MedGen C1843478, MONDO:0011868, OMIM 607598.

gnomAD v4.1: 13 of 1,614,056 alleles (0.00081%); highest among the groups gnomAD compares: African/African-American, 0.0013%; no homozygotes.

Submission:

Juno Genomics, Hangzhou Juno Genomics, Inc
Classification: Uncertain significance for Visceral neuropathy, familial, 1, autosomal recessive; Lethal congenital contracture syndrome 2; Erythroleukemia, familial, susceptibility to. Review status: criteria provided, single submitter. Criteria: ACMG Guidelines, 2015. Collection method: clinical testing. Allele origin: germline.
Comment: Absent from controls (or at extremely low frequency if recessive) in Genome Aggregation Database.;Missense variant in a gene that has a low rate of benign missense variation.

NM_001982.4(ERBB3):c.395G>A (p.Arg132His)

Gene: ERBB3 (erb-b2 receptor tyrosine kinase 3; plus strand). Cytogenetic location: 12q13.2.
Variant type: single nucleotide variant.
Coding change: c.395G>A on transcript NM_001982.4 (MANE Select); coding-DNA position 395, G replaced by A.
Protein change: p.Arg132His; replaces arginine 132 with histidine.
Molecular consequence: missense variant.
Genome position (GRCh38, 1-based): chr12:56,085,155, G>A. VCF-style: chr12-56085155-G-A. GRCh37 (hg19) VCF-style: chr12-56478939-G-A.
Other names: c.395G>A, p.Arg132His (NM_001005915.1); short protein forms R132H.
Identifiers: ClinVar variation 5018700 (VCV005018700.2).